The following is an entry in ClinVar:

NM_004360.5(CDH1):c.1600dup (p.Glu534fs)

Gene: CDH1 (cadherin 1; plus strand). Cytogenetic location: 16q22.1.
Variant type: Duplication.
Coding change: c.1600dup on transcript NM_004360.5 (MANE Select); coding-DNA position 1600, one base duplicated (G; older notation c.1600dupG).
Protein change: p.Glu534fs; shifts the reading frame from glutamic acid 534.
Molecular consequence: frameshift variant. On other transcripts: intron variant (1).
Genome position (GRCh38, 1-based): chr16:68,819,314, G duplicated; the last of 2 consecutive G bases (chr16:68,819,313-68,819,314); duplicating either gives the same sequence. VCF-style (leftmost placement, unchanged base first): chr16-68819312-T-TG. GRCh37 (hg19) VCF-style: chr16-68853215-T-TG.
Other names: c.1417dup, p.Glu473fs (NM_001317184.2); c.52dup, p.Glu18fs (NM_001317185.2); c.-254-2687dup (NM_001317186.2); short protein forms E18fs, E473fs, E534fs.
Identifiers: ClinVar variation 2583337 (VCV002583337.2), dbSNP rs2543937254, ClinGen allele CA2582342524.

ClinVar aggregate classification (germline): Pathogenic (1 of 4 stars; one submission).

Conditions:
Hereditary diffuse gastric adenocarcinoma (HDGC). Also called: DIFFUSE GASTRIC AND LOBULAR BREAST CANCER SYNDROME. Identifiers: Orphanet 26106, MedGen C1708349, MONDO:0007648, OMIM 137215.

Submission:

Myriad Genetics, Inc.
Classification: Pathogenic for Hereditary diffuse gastric adenocarcinoma. Last evaluated: 2023-06-26. Review status: criteria provided, single submitter. Criteria: Myriad Autosomal Dominant, Autosomal Recessive and X-Linked Classification Criteria (2023). Collection method: clinical testing. Allele origin: unknown.
Comment: This variant is considered pathogenic. This variant creates a frameshift predicted to result in premature protein truncation.